The following is an entry in ClinVar:

NM_002880.4(RAF1):c.1850A>C (p.Asn617Thr)

Gene: RAF1 (Raf-1 proto-oncogene, serine/threonine kinase; minus strand). Cytogenetic location: 3p25.2.
Variant type: single nucleotide variant.
Coding change: c.1850A>C on transcript NM_002880.4 (MANE Select); coding-DNA position 1850, A replaced by C.
Protein change: p.Asn617Thr; replaces asparagine 617 with threonine.
Molecular consequence: missense variant. On other transcripts: non-coding transcript variant (3).
Genome position (GRCh38, 1-based): chr3:12,584,611, T>G on the plus strand (A>C on the coding strand, the complement: RAF1 is on the minus strand). VCF-style: chr3-12584611-T-G. GRCh37 (hg19) VCF-style: chr3-12626110-T-G.
Other names: c.1910A>C, p.Asn637Thr (NM_001354689.3); c.1850A>C, p.Asn617Thr (NM_001354690.3); c.1607A>C, p.Asn536Thr (NM_001354691.3, NM_001354692.3); c.1751A>C, p.Asn584Thr (NM_001354693.3); c.1667A>C, p.Asn556Thr (NM_001354694.3); c.1508A>C, p.Asn503Thr (NM_001354695.3); short protein forms N556T, N637T, N503T, N536T, N584T, N617T.
Identifiers: ClinVar variation 2585519 (VCV002585519.4), dbSNP rs933142627, ClinGen allele CA351495997.

ClinVar aggregate classification (germline): Uncertain significance. Review status: criteria provided, multiple submitters, no conflicts (2 of 4 stars). 3 submissions from 3 submitters: Uncertain significance (3). Last evaluated 2026-07-10.

Conditions:
Noonan syndrome 5 (NS5). Also called: RAF1-Related Noonan Syndrome. Identifiers: Orphanet 648, MedGen C1969057, MONDO:0012690, OMIM 611553. Disease mechanism: gain of function.
RASopathy. Also called: rasopathies; Noonan spectrum disorder. Identifiers: Orphanet 536391, MedGen C5555857, MONDO:0021060.

gnomAD v4.1: 4 of 1,613,906 alleles (0.00025%); highest among the groups gnomAD compares: Non-Finnish European, 0.00034%; no homozygotes.

Submissions (3):

MVZ Medizinische Genetik Mainz
Classification: Uncertain significance for Noonan syndrome 5. Last evaluated: 2026-07-10. Review status: criteria provided, single submitter. Criteria: UK Practice Guidelines For Variant Classification V4 01 2020. Collection method: clinical testing. Allele origin: germline. Inheritance: Autosomal dominant inheritance. Affected: yes. Observed: 1 variant allele.
Comment: ACMG Criteria: PM1,PM2_SUP

Labcorp Genetics (formerly Invitae), Labcorp
Classification: Uncertain significance for RASopathy. Last evaluated: 2025-01-01. Review status: criteria provided, single submitter. Criteria: Invitae Variant Classification Sherloc (09022015). Collection method: clinical testing. Allele origin: germline.
Comment: This sequence change replaces asparagine, which is neutral and polar, with threonine, which is neutral and polar, at codon 617 of the RAF1 protein (p.Asn617Thr). This variant is not present in population databases (gnomAD no frequency). This variant has not been reported in the literature in individuals affected with RAF1-related conditions. ClinVar contains an entry for this variant (Variation ID: 2585519). Invitae Evidence Modeling incorporating data from in vitro experimental studies (internal data) did not meet the statistical confidence thresholds required to predict the impact of this variant on RAF1 function. In summary, the available evidence is currently insufficient to determine the role of this variant in disease. Therefore, it has been classified as a Variant of Uncertain Significance.

Neuberg Centre For Genomic Medicine, NCGM
Classification: Uncertain significance for Noonan syndrome 5. Review status: criteria provided, single submitter. Criteria: ACMG Guidelines, 2015. Collection method: clinical testing. Allele origin: germline. Inheritance: Autosomal dominant inheritance. Affected: yes.
Comment: The missense variant c.1910A>C (p.Asn637Thr) in RAF1 gene has not been reported previously as a pathogenic variant nor as a benign variant, to our knowledge. The p.Asn637Thr variant is novel (not in any individuals) in gnomAD Exomes and 1000 Genomes. The amino acid Asn at position 637 is changed to a Thr changing protein sequence and it might alter its composition and physico-chemical properties. In silico tools predict the variant to be tolerated. The residue is conserved across species. The amino acid change p.Asn637Thr in RAF1 is predicted as conserved by GERP++ and PhyloP across 100 vertebrates. For these reasons, this variant has been classified as Uncertain Significance.